The following is an entry in ClinVar:

ClinVar aggregate classification (germline): Uncertain significance (1 of 4 stars; one submission).

Conditions:
Cardiovascular phenotype. Identifiers: MedGen CN230736.

Allele frequency attached by ClinVar (database versions not stated): TOPMed below 0.00001; gnomAD exomes 0.00001.
gnomAD v4.1: 8 of 1,613,736 alleles (0.0005%); highest among the groups gnomAD compares: Non-Finnish European, 0.00068%; no homozygotes.

Submission:

Ambry Genetics
Classification: Uncertain significance for Cardiovascular phenotype. Last evaluated: 2023-01-20. Review status: criteria provided, single submitter. Criteria: Ambry Variant Classification Scheme 2023. Collection method: clinical testing. Allele origin: germline.
Comment: The p.I578T variant (also known as c.1733T>C), located in coding exon 6 of the KCND3 gene, results from a T to C substitution at nucleotide position 1733. The isoleucine at codon 578 is replaced by threonine, an amino acid with similar properties. This amino acid position is conserved. In addition, this alteration is predicted to be deleterious by in silico analysis. Since supporting evidence is limited at this time, the clinical significance of this alteration remains unclear.

NM_001378969.1(KCND3):c.1733T>C (p.Ile578Thr)

Gene: KCND3 (potassium voltage-gated channel subfamily D member 3; minus strand). Cytogenetic location: 1p13.2.
Variant type: single nucleotide variant.
Coding change: c.1733T>C on transcript NM_001378969.1 (MANE Select); coding-DNA position 1733, T replaced by C.
Protein change: p.Ile578Thr; replaces isoleucine 578 with threonine.
Molecular consequence: missense variant.
Genome position (GRCh38, 1-based): chr1:111,777,059, A>G on the plus strand (T>C on the coding strand, the complement: KCND3 is on the minus strand). VCF-style: chr1-111777059-A-G. GRCh37 (hg19) VCF-style: chr1-112319681-A-G.
Other names: c.1676T>C, p.Ile559Thr (NM_001378970.1, NM_172198.3); c.1733T>C, p.Ile578Thr (NM_004980.5); short protein forms I578T, I559T.
Identifiers: ClinVar variation 2447856 (VCV002447856.2), dbSNP rs202226567, ClinGen allele CA28897042.